The following is an entry in ClinVar:

NM_033380.3(COL4A5):c.3695G>A (p.Gly1232Asp)

Gene: COL4A5 (collagen type IV alpha 5 chain; plus strand). Cytogenetic location: Xq22.3.
Variant type: single nucleotide variant.
Coding change: c.3695G>A on transcript NM_033380.3 (MANE Select); coding-DNA position 3695, G replaced by A.
Protein change: p.Gly1232Asp; replaces glycine 1232 with aspartic acid.
Molecular consequence: missense variant.
Genome position (GRCh38, 1-based): chrX:108,668,409, G>A. VCF-style: chrX-108668409-G-A. GRCh37 (hg19) VCF-style: chrX-107911639-G-A.
Other names: c.3695G>A, p.Gly1232Asp (NM_000495.5); short protein forms G1232D.
Identifiers: ClinVar variation 2858852 (VCV002858852.3), dbSNP rs2524575358, ClinGen allele CA413848793.

ClinVar aggregate classification (germline): Likely pathogenic (1 of 4 stars; one submission).

Submission:

Labcorp Genetics (formerly Invitae), Labcorp
Classification: Likely pathogenic. Last evaluated: 2025-03-18. Review status: criteria provided, single submitter. Criteria: Invitae Variant Classification Sherloc (09022015). Collection method: clinical testing. Allele origin: germline.
Comment: This sequence change replaces glycine, which is neutral and non-polar, with aspartic acid, which is acidic and polar, at codon 1232 of the COL4A5 protein (p.Gly1232Asp). This variant is not present in population databases (gnomAD no frequency). This variant has not been reported in the literature in individuals affected with COL4A5-related conditions. ClinVar contains an entry for this variant (Variation ID: 2858852). Invitae Evidence Modeling of protein sequence and biophysical properties (such as structural, functional, and spatial information, amino acid conservation, physicochemical variation, residue mobility, and thermodynamic stability) indicates that this missense variant is expected to disrupt COL4A5 protein function with a positive predictive value of 95%. This variant disrupts the triple helix domain of COL4A5. Glycine residues within the Gly-Xaa-Yaa repeats of the triple helix domain are required for the structure and stability of fibrillar collagens (PMID: 7695699, 8218237, 19344236). In COL4A5, missense variants at these glycine residues are significantly enriched in individuals with disease (PMID: 23720012, 27627812) compared to the general population (ExAC). This variant disrupts the p.Gly1232 amino acid residue in COL4A5. Other variant(s) that disrupt this residue have been observed in individuals with COL4A5-related conditions (PMID: 15780079, 33330536), which suggests that this may be a clinically significant amino acid residue. In summary, the currently available evidence indicates that the variant is pathogenic, but additional data are needed to prove that conclusively. Therefore, this variant has been classified as Likely Pathogenic.

Literature cited by the submitters: PubMed 7695699; PubMed 8218237; PubMed 19344236; PubMed 23720012; PubMed 27627812; PubMed 15780079; PubMed 33330536.